The following is an entry in ClinVar:

NM_001851.6(COL9A1):c.2260-3C>T

Gene: COL9A1 (collagen type IX alpha 1 chain; minus strand). Cytogenetic location: 6q13.
Variant type: single nucleotide variant.
Coding change: c.2260-3C>T on transcript NM_001851.6 (MANE Select); 3 bases into the intron before coding-DNA position 2260, C replaced by T.
Molecular consequence: intron variant.
Genome position (GRCh38, 1-based): chr6:70,234,596, G>A on the plus strand (C>T on the coding strand, the complement: COL9A1 is on the minus strand). VCF-style: chr6-70234596-G-A. GRCh37 (hg19) VCF-style: chr6-70944299-G-A.
Other names: c.1384-3C>T (NM_001377290.1); c.1531-3C>T (NM_078485.4); c.1561-3C>T (NM_001377289.1).
Identifiers: ClinVar variation 1008988 (VCV001008988.6), dbSNP rs1305147526, ClinGen allele CA568117186.
Genomic context (GRCh38, chr6:70,234,596, plus strand): 5'-TACCTTGTATGACTCTCATGCAAACCTGCTTAATGTGCTGATCTGTCGGTGCTCTACCCT[G>A]GGACAGAAAAGAAAAAAAGGCAGTTTATGCATGAAACCATAAAGAGAACATTGTTAAGTT-3'

ClinVar aggregate classification (germline): Uncertain significance (1 of 4 stars; one submission).

Allele frequency attached by ClinVar (database versions not stated): gnomAD exomes below 0.00001; gnomAD 0.00001.
gnomAD v4.1: 3 of 1,613,964 alleles (0.00019%); highest among the groups gnomAD compares: Non-Finnish European, 0.00025%; no homozygotes.

Submission:

Labcorp Genetics (formerly Invitae), Labcorp
Classification: Uncertain significance. Last evaluated: 2021-08-26. Review status: criteria provided, single submitter. Criteria: Invitae Variant Classification Sherloc (09022015). Collection method: clinical testing. Allele origin: germline.
Comment: This sequence change falls in intron 34 of the COL9A1 gene. It does not directly change the encoded amino acid sequence of the COL9A1 protein. It affects a nucleotide within the consensus splice site of the intron. This variant is not present in population databases (ExAC no frequency). This variant has not been reported in the literature in individuals affected with COL9A1-related conditions. Variants that disrupt the consensus splice site are a relatively common cause of aberrant splicing (PMID: 17576681, 9536098). Algorithms developed to predict the effect of sequence changes on RNA splicing suggest that this variant is not likely to affect RNA splicing. In summary, the available evidence is currently insufficient to determine the role of this variant in disease. Therefore, it has been classified as a Variant of Uncertain Significance.

Literature cited by the submitters: PubMed 17576681; PubMed 9536098.